The following continues an entry in ClinVar:

NM_000110.4(DPYD):c.1905+1G>A

Gene: DPYD. ClinVar aggregate classification (germline): drug response. drug response (4).

Submissions 31 to 67 of 70:

OMIM
Classification: Pathogenic for 5-FLUOROURACIL TOXICITY. Last evaluated: 1999-01-01. Review status: no assertion criteria provided. Collection method: literature only. Allele origin: germline. Not counted in ClinVar's aggregate classification.

Diasio Lab,  Mayo Clinic
No classification provided. Review status: no classification provided. Collection method: not provided. Allele origin: unknown. Not counted in ClinVar's aggregate classification.

Dr. Peter K. Rogan Lab, Western University
No classification provided (evidence only). Condition: Nonpapillary renal cell carcinoma. Review status: no classification provided. Collection method: in vitro. Allele origin: not applicable. Functional consequence: skipped exon. Not counted in ClinVar's aggregate classification.

Dr. Peter K. Rogan Lab, Western University
No classification provided (evidence only). Condition: Cholangiocarcinoma. Review status: no classification provided. Collection method: in vitro. Allele origin: not applicable. Functional consequence: retained intron. Not counted in ClinVar's aggregate classification.

Dr. Peter K. Rogan Lab, Western University
No classification provided (evidence only). Condition: Ovarian serous cystadenocarcinoma. Review status: no classification provided. Collection method: in vitro. Allele origin: not applicable. Functional consequence: retained intron. Not counted in ClinVar's aggregate classification.

Dr. Peter K. Rogan Lab, Western University
No classification provided (evidence only). Condition: Gastric cancer. Review status: no classification provided. Collection method: in vitro. Allele origin: not applicable. Functional consequence: retained intron. Not counted in ClinVar's aggregate classification.

Dr. Peter K. Rogan Lab, Western University
No classification provided (evidence only). Condition: Malignant tumor of esophagus. Review status: no classification provided. Collection method: in vitro. Allele origin: not applicable. Functional consequence: skipped exon, retained intron. Not counted in ClinVar's aggregate classification.

Dr. Peter K. Rogan Lab, Western University
No classification provided (evidence only). Condition: Malignant tumor of esophagus. Review status: no classification provided. Collection method: in vitro. Allele origin: not applicable. Functional consequence: skipped exon. Not counted in ClinVar's aggregate classification.

Dr. Peter K. Rogan Lab, Western University
No classification provided (evidence only). Condition: Familial pancreatic carcinoma. Review status: no classification provided. Collection method: in vitro. Allele origin: not applicable. Functional consequence: skipped exon. Not counted in ClinVar's aggregate classification.

Dr. Peter K. Rogan Lab, Western University
No classification provided (evidence only). Condition: Lymphoma. Review status: no classification provided. Collection method: in vitro. Allele origin: not applicable. Functional consequence: skipped exon, retained intron. Not counted in ClinVar's aggregate classification.

Dr. Peter K. Rogan Lab, Western University
No classification provided (evidence only). Condition: Ovarian cancer. Review status: no classification provided. Collection method: in vitro. Allele origin: not applicable. Functional consequence: skipped exon. Not counted in ClinVar's aggregate classification.

Dr. Peter K. Rogan Lab, Western University
No classification provided (evidence only). Condition: Malignant tumor of urinary bladder. Review status: no classification provided. Collection method: in vitro. Allele origin: not applicable. Functional consequence: skipped exon. Not counted in ClinVar's aggregate classification.

Dr. Peter K. Rogan Lab, Western University
No classification provided (evidence only). Condition: Clear cell carcinoma of kidney. Review status: no classification provided. Collection method: in vitro. Allele origin: not applicable. Functional consequence: skipped exon, retained intron. Not counted in ClinVar's aggregate classification.

Dr. Peter K. Rogan Lab, Western University
No classification provided (evidence only). Condition: Clear cell carcinoma of kidney. Review status: no classification provided. Collection method: in vitro. Allele origin: not applicable. Functional consequence: skipped exon. Not counted in ClinVar's aggregate classification.

Dr. Peter K. Rogan Lab, Western University
No classification provided (evidence only). Condition: Clear cell carcinoma of kidney. Review status: no classification provided. Collection method: in vitro. Allele origin: not applicable. Functional consequence: skipped exon. Not counted in ClinVar's aggregate classification.

Dr. Peter K. Rogan Lab, Western University
No classification provided (evidence only). Condition: Clear cell carcinoma of kidney. Review status: no classification provided. Collection method: in vitro. Allele origin: not applicable. Functional consequence: skipped exon. Not counted in ClinVar's aggregate classification.

Dr. Peter K. Rogan Lab, Western University
No classification provided (evidence only). Condition: Clear cell carcinoma of kidney. Review status: no classification provided. Collection method: in vitro. Allele origin: not applicable. Functional consequence: skipped exon. Not counted in ClinVar's aggregate classification.

Dr. Peter K. Rogan Lab, Western University
No classification provided (evidence only). Condition: Lung cancer. Review status: no classification provided. Collection method: in vitro. Allele origin: not applicable. Functional consequence: skipped exon, retained intron. Not counted in ClinVar's aggregate classification.

Dr. Peter K. Rogan Lab, Western University
No classification provided (evidence only). Condition: Lung cancer. Review status: no classification provided. Collection method: in vitro. Allele origin: not applicable. Functional consequence: skipped exon. Not counted in ClinVar's aggregate classification.

Dr. Peter K. Rogan Lab, Western University
No classification provided (evidence only). Condition: Lung cancer. Review status: no classification provided. Collection method: in vitro. Allele origin: not applicable. Functional consequence: skipped exon. Not counted in ClinVar's aggregate classification.

Dr. Peter K. Rogan Lab, Western University
No classification provided (evidence only). Condition: Lung cancer. Review status: no classification provided. Collection method: in vitro. Allele origin: not applicable. Functional consequence: retained intron. Not counted in ClinVar's aggregate classification.

Dr. Peter K. Rogan Lab, Western University
No classification provided (evidence only). Condition: Melanoma. Review status: no classification provided. Collection method: in vitro. Allele origin: not applicable. Functional consequence: skipped exon. Not counted in ClinVar's aggregate classification.

Dr. Peter K. Rogan Lab, Western University
No classification provided (evidence only). Condition: Familial cancer of breast. Review status: no classification provided. Collection method: in vitro. Allele origin: not applicable. Functional consequence: skipped exon. Not counted in ClinVar's aggregate classification.

Dr. Peter K. Rogan Lab, Western University
No classification provided (evidence only). Condition: Acute myeloid leukemia. Review status: no classification provided. Collection method: in vitro. Allele origin: not applicable. Functional consequence: skipped exon, retained intron. Not counted in ClinVar's aggregate classification.

Dr. Peter K. Rogan Lab, Western University
No classification provided (evidence only). Condition: Acute myeloid leukemia. Review status: no classification provided. Collection method: in vitro. Allele origin: not applicable. Functional consequence: skipped exon, retained intron. Not counted in ClinVar's aggregate classification.

Dr. Peter K. Rogan Lab, Western University
No classification provided (evidence only). Condition: Acute myeloid leukemia. Review status: no classification provided. Collection method: in vitro. Allele origin: not applicable. Functional consequence: skipped exon. Not counted in ClinVar's aggregate classification.

Dr. Peter K. Rogan Lab, Western University
No classification provided (evidence only). Condition: Acute myeloid leukemia. Review status: no classification provided. Collection method: in vitro. Allele origin: not applicable. Functional consequence: skipped exon. Not counted in ClinVar's aggregate classification.

Dr. Peter K. Rogan Lab, Western University
No classification provided (evidence only). Condition: Colon adenocarcinoma. Review status: no classification provided. Collection method: in vitro. Allele origin: not applicable. Functional consequence: skipped exon. Not counted in ClinVar's aggregate classification.

Dr. Peter K. Rogan Lab, Western University
No classification provided (evidence only). Condition: Colorectal cancer. Review status: no classification provided. Collection method: in vitro. Allele origin: not applicable. Functional consequence: skipped exon. Not counted in ClinVar's aggregate classification.

Dr. Peter K. Rogan Lab, Western University
No classification provided (evidence only). Condition: Thyroid cancer, nonmedullary, 1. Review status: no classification provided. Collection method: in vitro. Allele origin: not applicable. Functional consequence: skipped exon. Not counted in ClinVar's aggregate classification.

Dr. Peter K. Rogan Lab, Western University
No classification provided (evidence only). Condition: Thyroid cancer, nonmedullary, 1. Review status: no classification provided. Collection method: in vitro. Allele origin: not applicable. Functional consequence: skipped exon. Not counted in ClinVar's aggregate classification.

Dr. Peter K. Rogan Lab, Western University
No classification provided (evidence only). Condition: Cervical cancer. Review status: no classification provided. Collection method: in vitro. Allele origin: not applicable. Functional consequence: skipped exon, retained intron. Not counted in ClinVar's aggregate classification.

Dr. Peter K. Rogan Lab, Western University
No classification provided (evidence only). Condition: Cervical cancer. Review status: no classification provided. Collection method: in vitro. Allele origin: not applicable. Functional consequence: retained intron. Not counted in ClinVar's aggregate classification.

Dr. Peter K. Rogan Lab, Western University
No classification provided (evidence only). Condition: Cervical cancer. Review status: no classification provided. Collection method: in vitro. Allele origin: not applicable. Functional consequence: retained intron. Not counted in ClinVar's aggregate classification.

Dr. Peter K. Rogan Lab, Western University
No classification provided (evidence only). Condition: Cervical cancer. Review status: no classification provided. Collection method: in vitro. Allele origin: not applicable. Functional consequence: skipped exon. Not counted in ClinVar's aggregate classification.

Dr. Peter K. Rogan Lab, Western University
No classification provided (evidence only). Condition: Cervical cancer. Review status: no classification provided. Collection method: in vitro. Allele origin: not applicable. Functional consequence: skipped exon. Not counted in ClinVar's aggregate classification.

Dr. Peter K. Rogan Lab, Western University
No classification provided (evidence only). Condition: Sarcoma. Review status: no classification provided. Collection method: in vitro. Allele origin: not applicable. Functional consequence: skipped exon. Not counted in ClinVar's aggregate classification.